The following is an entry in ClinVar:

NM_001042492.3(NF1):c.3113+2del

Gene: NF1 (neurofibromin 1; plus strand). Cytogenetic location: 17q11.2.
Variant type: Deletion.
Coding change: c.3113+2del on transcript NM_001042492.3 (MANE Select); the canonical splice donor site of the intron after coding-DNA position 3113, one base deleted (T; older notation c.3113+2delT).
Molecular consequence: splice donor variant.
Genome position (GRCh38, 1-based): chr17:31,230,384, T deleted. VCF-style (leftmost placement, unchanged base first): chr17-31230383-GT-G. GRCh37 (hg19) VCF-style: chr17-29557401-GT-G.
Other names: c.3113+2del (NM_000267.4).
Identifiers: ClinVar variation 2855993 (VCV002855993.3), dbSNP rs2483878861, ClinGen allele CA2739267366.

ClinVar aggregate classification (germline): Likely pathogenic (1 of 4 stars; one submission).

Conditions:
Neurofibromatosis, type 1 (NF1). Also called: VON RECKLINGHAUSEN DISEASE; Neurofibromatosis, type I; Peripheral type neurofibromatosis; NEUROFIBROMATOSIS, TYPE I, SOMATIC. Identifiers: Orphanet 636, MedGen C0027831, MONDO:0018975, OMIM 162200. Disease mechanism: loss of function.

Submission:

Labcorp Genetics (formerly Invitae), Labcorp
Classification: Likely pathogenic for Neurofibromatosis, type 1. Last evaluated: 2023-04-14. Review status: criteria provided, single submitter. Criteria: Invitae Variant Classification Sherloc (09022015). Collection method: clinical testing. Allele origin: germline.
Comment: In summary, the currently available evidence indicates that the variant is pathogenic, but additional data are needed to prove that conclusively. Therefore, this variant has been classified as Likely Pathogenic. Algorithms developed to predict the effect of sequence changes on RNA splicing suggest that this variant may disrupt the consensus splice site. This variant has not been reported in the literature in individuals affected with NF1-related conditions. This variant is not present in population databases (gnomAD no frequency). This sequence change affects a splice site in intron 23 of the NF1 gene. It is expected to disrupt RNA splicing. Variants that disrupt the donor or acceptor splice site typically lead to a loss of protein function (PMID: 16199547), and loss-of-function variants in NF1 are known to be pathogenic (PMID: 10712197, 23913538).

Literature cited by the submitters: PubMed 16199547; PubMed 10712197; PubMed 23913538.